The following is an entry in ClinVar:

ClinVar aggregate classification (germline): Uncertain significance. Review status: criteria provided, multiple submitters, no conflicts (2 of 4 stars). 2 submissions from 2 submitters: Uncertain significance (2). Last evaluated 2024-02-23.

Conditions:
Neuronal ceroid lipofuscinosis. Also called: Neuronal Ceroid Lipofuscinoses. Identifiers: Orphanet 216, Orphanet 79263, MedGen C0027877, MONDO:0016295. Disease mechanism: loss of function.
Neuronal ceroid lipofuscinosis 5 (CLN5). Also called: Neuronal ceroid lipofuscinosis Finnish variant; NEURONAL CEROID LIPOFUSCINOSIS, LATE INFANTILE, FINNISH VARIANT; CLN5-Related Neuronal Ceroid-Lipofuscinosis; CEROID LIPOFUSCINOSIS, NEURONAL, 5, VARIABLE AGE AT ONSET. Identifiers: Orphanet 168491, Orphanet 228360, MedGen C1850442, MONDO:0009745, OMIM 256731.

Submissions (2):

Labcorp Genetics (formerly Invitae), Labcorp
Classification: Uncertain significance for Neuronal ceroid lipofuscinosis. Last evaluated: 2024-02-23. Review status: criteria provided, single submitter. Criteria: Invitae Variant Classification Sherloc (09022015). Collection method: clinical testing. Allele origin: germline.
Comment: This sequence change replaces arginine, which is basic and polar, with isoleucine, which is neutral and non-polar, at codon 307 of the CLN5 protein (p.Arg307Ile). This variant is not present in population databases (gnomAD no frequency). This variant has not been reported in the literature in individuals affected with CLN5-related conditions. ClinVar contains an entry for this variant (Variation ID: 884023). Advanced modeling of protein sequence and biophysical properties (such as structural, functional, and spatial information, amino acid conservation, physicochemical variation, residue mobility, and thermodynamic stability) performed at Invitae indicates that this missense variant is not expected to disrupt CLN5 protein function with a negative predictive value of 80%. In summary, the available evidence is currently insufficient to determine the role of this variant in disease. Therefore, it has been classified as a Variant of Uncertain Significance.

Illumina Laboratory Services, Illumina
Classification: Uncertain significance for Neuronal ceroid lipofuscinosis 5. Last evaluated: 2018-01-13. Review status: criteria provided, single submitter. Criteria: ICSL Variant Classification Criteria 13 December 2019. Collection method: clinical testing. Allele origin: germline.

NM_006493.4(CLN5):c.773G>T (p.Arg258Ile)

Gene: CLN5 (CLN5 lysosomal BMP synthase; plus strand). Cytogenetic location: 13q22.3.
Variant type: single nucleotide variant.
Coding change: c.773G>T on transcript NM_006493.4 (MANE Select); coding-DNA position 773, G replaced by T.
Protein change: p.Arg258Ile; replaces arginine 258 with isoleucine.
Molecular consequence: missense variant. On other transcripts: 3 prime UTR variant (1).
Genome position (GRCh38, 1-based): chr13:77,000,665, G>T. VCF-style: chr13-77000665-G-T. GRCh37 (hg19) VCF-style: chr13-77574800-G-T.
Other names: c.*222G>T (NM_001366624.2); short protein forms R258I.
Identifiers: ClinVar variation 884023 (VCV000884023.7), dbSNP rs376675270, ClinGen allele CA252177619.